The following is an entry in ClinVar:

NM_205850.3(SLC24A5):c.190C>T (p.Arg64Cys)

Gene: SLC24A5 (solute carrier family 24 member 5; plus strand). Cytogenetic location: 15q21.1.
Variant type: single nucleotide variant.
Coding change: c.190C>T on transcript NM_205850.3 (MANE Select); coding-DNA position 190, C replaced by T.
Protein change: p.Arg64Cys; replaces arginine 64 with cysteine.
Molecular consequence: missense variant.
Genome position (GRCh38, 1-based): chr15:48,121,925, C>T. VCF-style: chr15-48121925-C-T. GRCh37 (hg19) VCF-style: chr15-48414122-C-T.
Other names: short protein forms R64C.
Identifiers: ClinVar variation 1480579 (VCV001480579.6), dbSNP rs775687860, ClinGen allele CA7545782.

ClinVar aggregate classification (germline): Uncertain significance (1 of 4 stars; one submission).

Allele frequency attached by ClinVar (database versions not stated): TOPMed below 0.00001; gnomAD exomes 0.00001 and 0.00002; ExAC 0.00002.
gnomAD v4.1: 15 of 1,614,046 alleles (0.00093%); highest among the groups gnomAD compares: South Asian, 0.0044%; no homozygotes.

Submission:

Labcorp Genetics (formerly Invitae), Labcorp
Classification: Uncertain significance. Last evaluated: 2022-03-11. Review status: criteria provided, single submitter. Criteria: Invitae Variant Classification Sherloc (09022015). Collection method: clinical testing. Allele origin: germline.
Comment: This variant is present in population databases (rs775687860, gnomAD 0.01%). This sequence change replaces arginine, which is basic and polar, with cysteine, which is neutral and slightly polar, at codon 64 of the SLC24A5 protein (p.Arg64Cys). This variant has not been reported in the literature in individuals affected with SLC24A5-related conditions. In summary, the available evidence is currently insufficient to determine the role of this variant in disease. Therefore, it has been classified as a Variant of Uncertain Significance. Algorithms developed to predict the effect of missense changes on protein structure and function are either unavailable or do not agree on the potential impact of this missense change (SIFT: "Deleterious"; PolyPhen-2: "Probably Damaging"; Align-GVGD: "Class C15").